The following is an entry in ClinVar:

NM_013275.6(ANKRD11):c.2647del (p.Glu883fs)

Gene: ANKRD11 (ankyrin repeat domain 11; minus strand). Cytogenetic location: 16q24.3.
Variant type: Deletion.
Coding change: c.2647del on transcript NM_013275.6 (MANE Select); coding-DNA position 2647, one base deleted (G; older notation c.2647delG).
Protein change: p.Glu883fs; shifts the reading frame from glutamic acid 883.
Molecular consequence: frameshift variant.
Genome position (GRCh38, 1-based): chr16:89,283,895, C deleted on the plus strand (G on the coding strand, the reverse complement: ANKRD11 is on the minus strand); the first of 2 consecutive C bases (chr16:89,283,895-89,283,896); deleting either gives the same sequence. VCF-style (leftmost placement, unchanged base first): chr16-89283894-TC-T. GRCh37 (hg19) VCF-style: chr16-89350302-TC-T.
Other names: c.2647del, p.Glu883fs (NM_001256182.2, NM_001256183.2); short protein forms E883fs.
Identifiers: ClinVar variation 1320057 (VCV001320057.1), dbSNP rs2151758908, ClinGen allele CA2573054302.

ClinVar aggregate classification (germline): Likely pathogenic (1 of 4 stars; one submission).

Conditions:
KBG syndrome (KBGS). Also called: ANKRD11-Related KBG Syndrome. Identifiers: Orphanet 2332, MedGen C0220687, MONDO:0007846, OMIM 148050.

Submission:

3billion
Classification: Likely pathogenic for KBG syndrome. Last evaluated: 2021-10-02. Review status: criteria provided, single submitter. Criteria: ACMG Guidelines, 2015. Collection method: clinical testing. Allele origin: maternal. Affected: yes. Observed: 1 heterozygote.
Comment: Frameshift: predicted to result in a loss or disruption of normal protein function through nonsense-mediated decay (NMD) or protein truncation. Multiple pathogenic variants are reported downstream of the variant (PVS1_VS). It is not observed in the gnomAD v2.1.1 dataset (PM2). Therefore, this variant is classified as likely pathogenic according to the recommendation of ACMG/AMP guideline